The following is an entry in ClinVar:

ClinVar aggregate classification (germline): Uncertain significance (1 of 4 stars; one submission).

Submission:

GeneDx
Classification: Uncertain significance. Last evaluated: 2025-03-31. Review status: criteria provided, single submitter. Criteria: GeneDx Variant Classification Process June 2021. Collection method: clinical testing. Allele origin: germline. Affected: yes.
Comment: Not observed at significant frequency in large population cohorts (gnomAD); Canonical splice site variant in a gene for which loss-of-function is not a known mechanism of disease; Has not been previously published as pathogenic or benign to our knowledge

NM_001846.4(COL4A2):c.181-1G>A

Gene: COL4A2 (collagen type IV alpha 2 chain; plus strand). Cytogenetic location: 13q34.
Variant type: single nucleotide variant.
Coding change: c.181-1G>A on transcript NM_001846.4 (MANE Select); the canonical splice acceptor site of the intron before coding-DNA position 181, G replaced by A.
Molecular consequence: splice acceptor variant.
Genome position (GRCh38, 1-based): chr13:110,424,733, G>A. VCF-style: chr13-110424733-G-A. GRCh37 (hg19) VCF-style: chr13-111077080-G-A.
Identifiers: ClinVar variation 4278709 (VCV004278709.1).